The following is an entry in ClinVar:

ClinVar aggregate classification (germline): Uncertain significance (1 of 4 stars; one submission).

Conditions:
Coffin-Siris syndrome 7. Identifiers: MedGen C4747954, MONDO:0054831, OMIM 618027.

Allele frequency attached by ClinVar (database versions not stated): ExAC 0.00001.
gnomAD v4.1: 1 of 1,614,132 alleles (0.000062%); no homozygotes.

Submission:

Victorian Clinical Genetics Services, Murdoch Childrens Research Institute
Classification: Uncertain significance for Coffin-Siris syndrome 7. Last evaluated: 2023-07-17. Review status: criteria provided, single submitter. Criteria: ACMG Guidelines, 2015. Collection method: clinical testing. Allele origin: germline. Inheritance: Autosomal dominant inheritance. Affected: yes.
Comment: Based on the classification scheme VCGS_Germline_v1.3.4, this variant is classified as VUS-3B Following criteria are met: 0104 - Dominant negative is the likely mechanism of disease in this gene (PMID: 29429572) and is associated with Coffin-Siris syndrome 7 (MIM#618027). (I) 0107 - This gene is associated with autosomal dominant disease. (I) 0115 - Variants in this gene are known to have variable expressivity (OMIM). (I) 0200 - Variant is predicted to result in a missense amino acid change from glutamine to glutamic acid. (I) 0251 - This variant is heterozygous. (I) 0302 - Variant is present in gnomAD (v2) <0.001 for a dominant condition (1 heterozygote, 0 homozygotes). (SP) 0503 - Missense variant consistently predicted to be tolerated by multiple in silico tools or not conserved in placental mammals with a minor amino acid change. (SB) 0604 - Variant is not located in an established domain, motif, hotspot or informative constraint region. (I) 0705 - No comparable missense variants have previous evidence for pathogenicity. (I) 0807 - This variant has no previous evidence of pathogenicity. (I) 0905 - No published segregation evidence has been identified for this variant. (I) 1007 - No published functional evidence has been identified for this variant. (SP) Legend: (SP) - Supporting pathogenic, (I) - Information, (SB) - Supporting benign

Literature cited by the submitters: PubMed 29429572.

NM_006268.5(DPF2):c.733C>G (p.Gln245Glu)

Gene: DPF2 (double PHD fingers 2; plus strand). Cytogenetic location: 11q13.1.
Variant type: single nucleotide variant.
Coding change: c.733C>G on transcript NM_006268.5 (MANE Select); coding-DNA position 733, C replaced by G.
Protein change: p.Gln245Glu; replaces glutamine 245 with glutamic acid.
Molecular consequence: missense variant.
Genome position (GRCh38, 1-based): chr11:65,345,761, C>G. VCF-style: chr11-65345761-C-G. GRCh37 (hg19) VCF-style: chr11-65113232-C-G.
Other names: c.775C>G, p.Gln259Glu (NM_001330308.2); short protein forms Q245E, Q259E.
Identifiers: ClinVar variation 3254756 (VCV003254756.1), dbSNP rs755112635.